The following is an entry in ClinVar:

ClinVar aggregate classification (germline): Pathogenic/Likely pathogenic. Review status: criteria provided, multiple submitters, no conflicts (2 of 4 stars). 7 submissions from 7 submitters: Pathogenic (6); Likely pathogenic (1). Last evaluated 2025-11-04.
ClinVar aggregate classification (oncogenicity): Likely oncogenic (1 of 4 stars; one submission).

Conditions:
Familial thoracic aortic aneurysm and aortic dissection (TAAD). Also called: Thoracic aortic aneurysms and dissections. Identifiers: Orphanet 91387, MedGen C4707243, MONDO:0019625.
Hereditary cancer-predisposing syndrome. Also called: Neoplastic Syndromes, Hereditary; Hereditary neoplastic syndrome; Tumor predisposition; Hereditary Cancer Syndrome. Identifiers: Orphanet 140162, MedGen C0027672, MeSH D009386, MONDO:0015356.
Juvenile polyposis syndrome (JPS). Identifiers: Orphanet 2929, MedGen C0345893, MONDO:0017380, OMIM 174900.
SMAD4-related disorder. Also called: SMAD4-Related disorders; SMAD4-related condition.
Juvenile polyposis/hereditary hemorrhagic telangiectasia syndrome (JPHT). Also called: JP/HHT SYNDROME; JUVENILE POLYPOSIS WITH HEREDITARY HEMORRHAGIC TELANGIECTASIA; POLYPOSIS, GENERALIZED JUVENILE, WITH PULMONARY ARTERIOVENOUS MALFORMATION; TELANGIECTASIA, HEREDITARY HEMORRHAGIC, WITH JUVENILE POLYPOSIS COLI; Juvenile Polyposis Syndrome / Hereditary Hemorrhagic Telangiectasia (JPS/HHT). Identifiers: Orphanet 2929, MedGen C1832942, MONDO:0008278, OMIM 175050.
Neoplasm. Also called: tumor; Neoplasms; Neoplasm (disease). Identifiers: MedGen C0027651, MeSH D009369, MONDO:0005070, HP:0002664.

Submissions (8):

Center for Genomic Medicine, Rigshospitalet, Copenhagen University Hospital
Classification: Likely oncogenic for Neoplasm. Last evaluated: 2025-12-29. Review status: criteria provided, single submitter. Criteria: ClinGen/CGC/VICC Guidelines for Oncogenicity, 2022. Collection method: clinical testing. Allele origin: somatic. Affected: yes.

Labcorp Genetics (formerly Invitae), Labcorp
Classification: Pathogenic for Juvenile polyposis syndrome. Last evaluated: 2025-11-04. Review status: criteria provided, single submitter. Criteria: Invitae Variant Classification Sherloc (09022015). Collection method: clinical testing. Allele origin: germline.
Comment: This sequence change creates a premature translational stop signal (p.Ser178*) in the SMAD4 gene. It is expected to result in an absent or disrupted protein product. Loss-of-function variants in SMAD4 are known to be pathogenic (PMID: 16152648, 16436638, 22810475). This variant is not present in population databases (gnomAD no frequency). This premature translational stop signal has been observed in individual(s) with clinical features of juvenile polyposis syndrome (PMID: 10441006). This variant is also known as Ser177*. ClinVar contains an entry for this variant (Variation ID: 24807). For these reasons, this variant has been classified as Pathogenic.

Myriad Genetics, Inc.
Classification: Pathogenic for Juvenile polyposis/hereditary hemorrhagic telangiectasia syndrome. Last evaluated: 2025-09-30. Review status: criteria provided, single submitter. Criteria: Myriad Autosomal Dominant, Autosomal Recessive and X-Linked Classification Criteria (2023). Collection method: clinical testing. Allele origin: unknown.
Comment: This variant is considered pathogenic. This variant creates a termination codon and is predicted to result in premature protein truncation.

Blueprint Genetics
Classification: Pathogenic for SMAD4-related disorders. Last evaluated: 2023-10-04. Review status: criteria provided, single submitter. Criteria: ACMG Guidelines, 2015. Collection method: clinical testing. Allele origin: germline. Affected: yes. Observed: 1 variant allele.

GeneDx
Classification: Pathogenic. Last evaluated: 2023-07-20. Review status: criteria provided, single submitter. Criteria: GeneDx Variant Classification Process June 2021. Collection method: clinical testing. Allele origin: germline. Affected: yes.
Comment: Nonsense variant predicted to result in protein truncation or nonsense mediated decay in a gene for which loss of function is a known mechanism of disease; Not observed at significant frequency in large population cohorts (gnomAD); This variant is associated with the following publications: (PMID: 25525159, 19014666, 10441006)

MGZ Medical Genetics Center
Classification: Likely pathogenic for Juvenile polyposis syndrome. Last evaluated: 2022-05-31. Review status: criteria provided, single submitter. Criteria: ACMG Guidelines, 2015. Collection method: clinical testing. Allele origin: germline. Affected: yes. Observed: 1 variant allele.
Comment: ACMG criteria applied: PVS1, PM2_SUP

Department of Molecular Diagnostics, Institute of Oncology Ljubljana
Classification: Pathogenic for Juvenile polyposis/hereditary hemorrhagic telangiectasia syndrome. Last evaluated: 2020-04-02. Review status: criteria provided, single submitter. Criteria: ACMG Guidelines, 2015. Collection method: clinical testing. Allele origin: germline. Affected: yes.

Ambry Genetics
Classification: Pathogenic for Hereditary cancer-predisposing syndrome; Familial thoracic aortic aneurysm and aortic dissection. Last evaluated: 2015-03-25. Review status: criteria provided, single submitter. Criteria: Ambry Variant Classification Scheme 2023. Collection method: clinical testing. Allele origin: germline.
Comment: The p.S178* pathogenic mutation (also known as c.533C>G), located in coding exon 4 of the SMAD4 gene, results from a C to G substitution at nucleotide position 533. This changes the amino acid from a serine to a stop codon within coding exon 4. This alteration has been previously identified in an individual meeting diagnostic criteria for juvenile polyposis syndrome (JPS) (Roth S et al. Genes Chromosomes Cancer. 1999 Sep;26:54-61). In addition to the clinical data presented in the literature, this alteration is expected to result in loss of function by premature protein truncation or nonsense-mediated mRNA decay. As such, this alteration is interpreted as a disease-causing mutation.

Literature cited by the submitters: PubMed 11553622 (cited by Center for Genomic Medicine, Rigshospitalet, Copenhagen University Hospital); PubMed 16152648 (cited by Labcorp Genetics (formerly Invitae), Labcorp); PubMed 16436638 (cited by Labcorp Genetics (formerly Invitae), Labcorp); PubMed 22810475 (cited by Labcorp Genetics (formerly Invitae), Labcorp); PubMed 10441006 (cited by Labcorp Genetics (formerly Invitae), Labcorp).

NM_005359.6(SMAD4):c.533C>G (p.Ser178Ter)

Gene: SMAD4 (SMAD family member 4; plus strand). Cytogenetic location: 18q21.2.
Variant type: single nucleotide variant.
Coding change: c.533C>G on transcript NM_005359.6 (MANE Select); coding-DNA position 533, C replaced by G.
Protein change: p.Ser178Ter; replaces serine 178 with a stop codon.
Molecular consequence: nonsense.
Genome position (GRCh38, 1-based): chr18:51,054,859, C>G. VCF-style: chr18-51054859-C-G. GRCh37 (hg19) VCF-style: chr18-48581229-C-G.
Other names: short protein forms S178*.
Identifiers: ClinVar variation 24807 (VCV000024807.17), dbSNP rs377767331, ClinGen allele CA259180.
Genomic context (GRCh38, chr18:51,054,859, plus strand): 5'-TGAAGGATGAATATGTGCATGACTTTGAGGGACAGCCATCGTTGTCCACTGAAGGACATT[C>G]AATTCAAACCATCCAGCATCCACCAAGTAATCGTGCATCGACAGAGACATACAGCACCCC-3'